The following is an entry in ClinVar:

ClinVar aggregate classification (germline): Uncertain significance (1 of 4 stars; one submission).

Submission:

Labcorp Genetics (formerly Invitae), Labcorp
Classification: Uncertain significance. Last evaluated: 2025-02-17. Review status: criteria provided, single submitter. Criteria: Invitae Variant Classification Sherloc (09022015). Collection method: clinical testing. Allele origin: germline.
Comment: This sequence change falls in intron 3 of the GUF1 gene. It does not directly change the encoded amino acid sequence of the GUF1 protein. This variant is not present in population databases (gnomAD no frequency). This variant has not been reported in the literature in individuals affected with GUF1-related conditions. Algorithms developed to predict the effect of sequence changes on RNA splicing suggest that this variant may disrupt the consensus splice site. In summary, the available evidence is currently insufficient to determine the role of this variant in disease. Therefore, it has been classified as a Variant of Uncertain Significance.

NM_021927.3(GUF1):c.427-8T>G

Gene: GUF1 (GTP binding elongation factor GUF1; plus strand). Cytogenetic location: 4p12.
Variant type: single nucleotide variant.
Coding change: c.427-8T>G on transcript NM_021927.3 (MANE Select); 8 bases into the intron before coding-DNA position 427, T replaced by G.
Molecular consequence: intron variant.
Genome position (GRCh38, 1-based): chr4:44,681,115, T>G. VCF-style: chr4-44681115-T-G. GRCh37 (hg19) VCF-style: chr4-44683132-T-G.
Other names: c.427-8T>G (NM_001345868.2); c.-542-8T>G (NM_001345867.2); c.-546-8T>G (NM_001345869.2).
Identifiers: ClinVar variation 3727628 (VCV003727628.2).